The following is an entry in ClinVar:

ClinVar aggregate classification (germline): Uncertain significance (1 of 4 stars; one submission).

gnomAD v4.1: 2 of 1,613,782 alleles (0.00012%); highest among the groups gnomAD compares: Admixed American, 0.0033%; no homozygotes.

Submission:

GeneDx
Classification: Uncertain significance. Last evaluated: 2025-05-10. Review status: criteria provided, single submitter. Criteria: GeneDx Variant Classification Process June 2021. Collection method: clinical testing. Allele origin: germline. Affected: yes.
Comment: Not observed at significant frequency in large population cohorts (gnomAD); In silico analysis suggests that this missense variant does not alter protein structure/function; Has not been previously published as pathogenic or benign to our knowledge

NM_014991.6(WDFY3):c.10103A>G (p.His3368Arg)

Gene: WDFY3 (WD repeat and FYVE domain containing 3; minus strand). Cytogenetic location: 4q21.23.
Variant type: single nucleotide variant.
Coding change: c.10103A>G on transcript NM_014991.6 (MANE Select); coding-DNA position 10103, A replaced by G.
Protein change: p.His3368Arg; replaces histidine 3368 with arginine.
Molecular consequence: missense variant.
Genome position (GRCh38, 1-based): chr4:84,678,963, T>C on the plus strand (A>G on the coding strand, the complement: WDFY3 is on the minus strand). VCF-style: chr4-84678963-T-C. GRCh37 (hg19) VCF-style: chr4-85600116-T-C.
Other names: short protein forms H3368R.
Identifiers: ClinVar variation 4527946 (VCV004527946.1).
Genomic context (GRCh38, chr4:84,678,963, plus strand): 5'-CCAGACTTCAAGTTACCAGGTTTCAATCTGCTGTAATTCCGCACCTCAATGGGATTGGGG[T>C]GGGGGTGGCTAAGGGGGCCCTGCAGATGGGCTCTGGTCTGGCCCTCTGAATAGTTCACAA-3'
Protein context (NP_055806.2, residues 3358-3378): AHLQGPLSHP[His3368Arg]PNPIEVRNYS